The following is an entry in ClinVar:

ClinVar aggregate classification (germline): Uncertain significance (1 of 4 stars; one submission).

Conditions:
Fanconi anemia (FA). Also called: Fanconi's anemia. Identifiers: Orphanet 84, MedGen C0015625, MeSH D005199, MONDO:0019391.

Submission:

Labcorp Genetics (formerly Invitae), Labcorp
Classification: Uncertain significance for Fanconi anemia. Last evaluated: 2022-11-19. Review status: criteria provided, single submitter. Criteria: Invitae Variant Classification Sherloc (09022015). Collection method: clinical testing. Allele origin: germline.
Comment: In summary, the available evidence is currently insufficient to determine the role of this variant in disease. Therefore, it has been classified as a Variant of Uncertain Significance. Algorithms developed to predict the effect of missense changes on protein structure and function output the following: SIFT: "Tolerated"; PolyPhen-2: "Benign"; Align-GVGD: "Class C0". The proline amino acid residue is found in multiple mammalian species, which suggests that this missense change does not adversely affect protein function. This variant has not been reported in the literature in individuals affected with FANCM-related conditions. This variant is not present in population databases (gnomAD no frequency). This sequence change replaces leucine, which is neutral and non-polar, with proline, which is neutral and non-polar, at codon 1123 of the FANCM protein (p.Leu1123Pro).

NM_020937.4(FANCM):c.3368T>C (p.Leu1123Pro)

Gene: FANCM (FA complementation group M; plus strand). Cytogenetic location: 14q21.2.
Variant type: single nucleotide variant.
Coding change: c.3368T>C on transcript NM_020937.4 (MANE Select); coding-DNA position 3368, T replaced by C.
Protein change: p.Leu1123Pro; replaces leucine 1123 with proline.
Molecular consequence: missense variant.
Genome position (GRCh38, 1-based): chr14:45,176,122, T>C. VCF-style: chr14-45176122-T-C. GRCh37 (hg19) VCF-style: chr14-45645325-T-C.
Other names: c.3290T>C, p.Leu1097Pro (NM_001308133.2); short protein forms L1097P, L1123P.
Identifiers: ClinVar variation 2982317 (VCV002982317.3), dbSNP rs2139247893, ClinGen allele CA389601240.